The following is an entry in ClinVar:

ClinVar aggregate classification (germline): Uncertain significance (1 of 4 stars; one submission).

Conditions:
Catecholaminergic polymorphic ventricular tachycardia (CVPT). Also called: Catecholamine-induced polymorphic ventricular tachycardia. Identifiers: Orphanet 3286, MedGen C5574922, MONDO:0017990.

Submission:

All of Us Research Program, National Institutes of Health
Classification: Uncertain significance for Catecholaminergic polymorphic ventricular tachycardia. Last evaluated: 2023-06-26. Review status: criteria provided, single submitter. Criteria: ACMG Guidelines, 2015. Collection method: clinical testing. Allele origin: germline. Inheritance: Autosomal dominant inheritance. Observed: 1 variant allele, 1 heterozygote.
Comment: This missense variant replaces glutamic acid with aspartic acid at codon 2769 of the RYR2 protein. Computational prediction is inconclusive regarding the impact of this variant on protein structure and function (internally defined REVEL score threshold 0.5 < inconclusive < 0.7, PMID: 27666373). To our knowledge, functional studies have not been reported for this variant. This variant has not been reported in individuals affected with RYR2-related disorders in the literature. This variant has not been identified in the general population by the Genome Aggregation Database (gnomAD). The available evidence is insufficient to determine the role of this variant in disease conclusively. Therefore, this variant is classified as a Variant of Uncertain Significance.

This study involves interpretation of variants in research participants for the purpose of population health screening. Participant phenotype was not available at the time of variant classification. Additional details can be found in publication PMID: 35346344, PMCID: PMC8962531

NM_001035.3(RYR2):c.8307A>C (p.Glu2769Asp)

Gene: RYR2 (ryanodine receptor 2; plus strand). Cytogenetic location: 1q43.
Variant type: single nucleotide variant.
Coding change: c.8307A>C on transcript NM_001035.3 (MANE Select); coding-DNA position 8307, A replaced by C.
Protein change: p.Glu2769Asp; replaces glutamic acid 2769 with aspartic acid.
Molecular consequence: missense variant.
Genome position (GRCh38, 1-based): chr1:237,660,818, A>C. VCF-style: chr1-237660818-A-C. GRCh37 (hg19) VCF-style: chr1-237824118-A-C.
Other names: short protein forms E2769D.
Identifiers: ClinVar variation 3072060 (VCV003072060.1), dbSNP rs1256892565, ClinGen allele CA345401744.
Genomic context (GRCh38, chr1:237,660,818, plus strand): 5'-TTTTTATTTACATTCATAATATATCTGTTGTTTCTTGTTTTTTCTTCTCTAGGAAAAAGA[A>C]ATTTATCGCTGGCCAATCAAAGAATCTTTAAAAACTATGCTGGCTTGGGGCTGGAGAATT-3'
Protein context (NP_001026.2, residues 2759-2779): PYKLLSEKEK[Glu2769Asp]IYRWPIKESL